The following is an entry in ClinVar:

NM_002439.5(MSH3):c.1888_1893del (p.His630_Lys631del)

Gene: MSH3 (mutS homolog 3; plus strand). Cytogenetic location: 5q14.1.
Variant type: Deletion.
Coding change: c.1888_1893del on transcript NM_002439.5 (MANE Select); coding-DNA positions 1888 to 1893, 6 bases deleted (CACAAA; older notation c.1888_1893delCACAAA).
Protein change: p.His630_Lys631del.
Molecular consequence: inframe deletion.
Genome position (GRCh38, 1-based): chr5:80,761,670-80,761,675, CACAAA deleted. VCF-style (leftmost placement, unchanged base first): chr5-80761669-TCACAAA-T. GRCh37 (hg19) VCF-style: chr5-80057488-TCACAAA-T.
Identifiers: ClinVar variation 3874968 (VCV003874968.1).
Genomic context (GRCh38, chr5:80,761,669, plus strand): 5'-TCAGATAGAAAATCATCTACGTAAATTGCCCGACATAGAGAGGGGACTCTGTAGCATTTA[TCACAAA>T]AAAGTAAGTGTGATAGAAATCTATTAAAGCTGACAGTGTTCTTCAGCTTGAGGACACTAT-3'

ClinVar aggregate classification (germline): Uncertain significance (1 of 4 stars; one submission).

Conditions:
Hereditary cancer-predisposing syndrome. Also called: Tumor predisposition; Neoplastic Syndromes, Hereditary; Hereditary Cancer Syndrome; Hereditary neoplastic syndrome. Identifiers: Orphanet 140162, MedGen C0027672, MeSH D009386, MONDO:0015356.

Submission:

Ambry Genetics
Classification: Uncertain significance for Hereditary cancer-predisposing syndrome. Last evaluated: 2025-01-25. Review status: criteria provided, single submitter. Criteria: Ambry Variant Classification Scheme 2023. Collection method: clinical testing. Allele origin: germline.
Comment: The c.1888_1893delCACAAA variant (also known as p.H630_K631del) is located in coding exon 13 of the MSH3 gene. This variant results from an in-frame CACAAA deletion at nucleotide positions 1888 to 1893. This results in the in-frame deletion of 2 amino acids at codons 630 to 631. This amino acid region is well conserved in available vertebrate species. In addition, this alteration is predicted to be deleterious by in silico analysis (Choi Y et al. PLoS ONE. 2012; 7(10):e46688). Based on the available evidence, the clinical significance of this variant remains unclear.